The following is an entry in ClinVar:

ClinVar aggregate classification (germline): Uncertain significance. Review status: criteria provided, multiple submitters, no conflicts (2 of 4 stars). 2 submissions from 2 submitters: Uncertain significance (2). Last evaluated 2025-06-18.

Conditions:
Cardiovascular phenotype. Identifiers: MedGen CN230736.
Long QT syndrome (LQTS). Identifiers: MedGen C0023976, MeSH D008133, MONDO:0002442. Disease mechanism: loss of function. Inheritance: Various modes of inheritance.

Submissions (2):

Labcorp Genetics (formerly Invitae), Labcorp
Classification: Uncertain significance for Long QT syndrome. Last evaluated: 2025-06-18. Review status: criteria provided, single submitter. Criteria: Invitae Variant Classification Sherloc (09022015). Collection method: clinical testing. Allele origin: germline.
Comment: This sequence change replaces isoleucine, which is neutral and non-polar, with threonine, which is neutral and polar, at codon 789 of the KCNH2 protein (p.Ile789Thr). This variant is not present in population databases (gnomAD no frequency). This missense change has been observed in individual(s) with long QT syndrome (LQTS) (PMID: 23174487). ClinVar contains an entry for this variant (Variation ID: 200431). An algorithm developed to predict the effect of missense changes on protein structure and function (PolyPhen-2) suggests that this variant is likely to be disruptive. Experimental studies have shown that this missense change affects KCNH2 function (PMID: 26958806). In summary, the available evidence is currently insufficient to determine the role of this variant in disease. Therefore, it has been classified as a Variant of Uncertain Significance.

Ambry Genetics
Classification: Uncertain significance for Cardiovascular phenotype. Last evaluated: 2023-07-20. Review status: criteria provided, single submitter. Criteria: Ambry Variant Classification Scheme 2023. Collection method: clinical testing. Allele origin: germline.
Comment: The p.I789T variant (also known as c.2366T>C), located in coding exon 9 of the KCNH2 gene, results from a T to C substitution at nucleotide position 2366. The isoleucine at codon 789 is replaced by threonine, an amino acid with similar properties, and is located in the cyclic nucleotide binding domain. This alteration was detected in a long QT syndrome (LQTS) cohort; however, some of the patients harbored multiple LQTS alterations, and clinical data was not provided (Mullally J et al. Heart Rhythm. 2013;10:378-82). One functional study demonstrated that I789T results in a trafficking defect in transfected HEK293 cells, but these types of studies do not always accurately reflect the impact on biological function in vivo (Perry MD et al. J. Physiol. (Lond.), 2016 07;594:4031-49). This amino acid position is highly conserved in available vertebrate species. In addition, this alteration is predicted to be deleterious by in silico analysis. Since supporting evidence is limited at this time, the clinical significance of this alteration remains unclear.

Literature cited by the submitters: PubMed 23174487 (cited by Labcorp Genetics (formerly Invitae), Labcorp and Ambry Genetics); PubMed 26958806 (cited by Labcorp Genetics (formerly Invitae), Labcorp and Ambry Genetics); PubMed 21440677 (cited by Ambry Genetics).

NM_000238.4(KCNH2):c.2366T>C (p.Ile789Thr)

Gene: KCNH2 (potassium voltage-gated channel subfamily H member 2; minus strand). Cytogenetic location: 7q36.1.
Variant type: single nucleotide variant.
Coding change: c.2366T>C on transcript NM_000238.4 (MANE Select); coding-DNA position 2366, T replaced by C.
Protein change: p.Ile789Thr; replaces isoleucine 789 with threonine.
Molecular consequence: missense variant.
Genome position (GRCh38, 1-based): chr7:150,950,200, A>G on the plus strand (T>C on the coding strand, the complement: KCNH2 is on the minus strand). VCF-style: chr7-150950200-A-G. GRCh37 (hg19) VCF-style: chr7-150647288-A-G.
Other names: c.1346T>C, p.Ile449Thr (NM_001204798.2, NM_172057.3); c.2078T>C, p.Ile693Thr (NM_001406753.1, NM_001406756.1); c.2189T>C, p.Ile730Thr (NM_001406755.1); c.2066T>C, p.Ile689Thr (NM_001406757.1); c.2366T>C, p.Ile789Thr (NM_172056.3); short protein forms I449T, I789T, I730T, I689T, I693T.
Identifiers: ClinVar variation 200431 (VCV000200431.16), dbSNP rs794728388, ClinGen allele CA006518.